The following is an entry in ClinVar:

ClinVar aggregate classification (germline): Likely benign (0 of 4 stars; one submission).

Conditions:
EPPK1-related disorder. Also called: EPPK1-related condition.

Allele frequency attached by ClinVar (database versions not stated): ExAC 0.00054; 1000 Genomes Project 0.00100; 1000 Genomes Project 30x 0.00109; gnomAD 0.00150; TOPMed 0.00183; ESP Exome Variant Server 0.00188.
gnomAD v4.1: 456 of 1,609,750 alleles (0.028%); highest among the groups gnomAD compares: African/African-American, 0.51%; no homozygotes.

Submission:

PreventionGenetics, part of Exact Sciences
Classification: Likely benign for EPPK1-related condition. Last evaluated: 2022-04-18. Review status: no assertion criteria provided. Collection method: clinical testing. Allele origin: germline.
Comment: This variant is classified as likely benign based on ACMG/AMP sequence variant interpretation guidelines (Richards et al. 2015 PMID: 25741868, with internal and published modifications).

NM_031308.4(EPPK1):c.1749C>T (p.Tyr583=)

Gene: EPPK1 (epiplakin 1; minus strand). Cytogenetic location: 8q24.3.
Variant type: single nucleotide variant.
Coding change: c.1749C>T on transcript NM_031308.4 (MANE Select); coding-DNA position 1749, C replaced by T.
Protein change: p.Tyr583=; no amino-acid change (tyrosine 583 retained).
Molecular consequence: synonymous variant.
Genome position (GRCh38, 1-based): chr8:143,871,505, G>A on the plus strand (C>T on the coding strand, the complement: EPPK1 is on the minus strand). VCF-style: chr8-143871505-G-A. GRCh37 (hg19) VCF-style: chr8-144945673-G-A.
Identifiers: ClinVar variation 3053669 (VCV003053669.2), dbSNP rs141793860, ClinGen allele CA4923275.